The following is an entry in ClinVar:

ClinVar aggregate classification (germline): Uncertain significance. Review status: criteria provided, single submitter (1 of 4 stars). 2 submissions from 2 submitters: Uncertain significance (1). 1 of the submissions does not count toward it.

Conditions:
Diabetes mellitus, permanent neonatal 4. Also called: INS-Related Permanent Neonatal Diabetes Mellitus. Identifiers: MedGen C5394307, MONDO:0030089, OMIM 618858.
Permanent neonatal diabetes mellitus (PNDM). Identifiers: Orphanet 99885, MedGen C1833104, MONDO:0100164, MONDO:0011643. Disease mechanism: gain of function.

Submissions (2):

Clinical Genomics, Uppaluri K&H Personalized Medicine Clinic
Classification: Uncertain significance for Diabetes mellitus, permanent neonatal 4. Review status: criteria provided, single submitter. Criteria: K &amp; H Uppaluri Personalized Medicine Clinic Variant Classification &amp; Assertion Criteria_Updated V.1. Collection method: research. Allele origin: unknown. Inheritance: Autosomal dominant inheritance.
Comment: Potent mutations in the INS gene can cause early onset diabetes mellitus which is insulin dependent. May have poor response to sulfonylureas, mutations in this gene can cause beta cell destruction.However, more evidence is required to confer the association of this particular variant H29D/ rs121908272 with Neonatal diabetes mellitus

UniProtKB/Swiss-Prot
No classification provided. Condition: Permanent neonatal diabetes mellitus. Review status: no classification provided. Collection method: not provided. Allele origin: not provided. Not counted in ClinVar's aggregate classification.

Literature cited by the submitters: PubMed 18162506 (cited by Clinical Genomics, Uppaluri K&H Personalized Medicine Clinic).

NM_000207.3(INS):c.85C>G (p.His29Asp)

Genes: INS (insulin; minus strand), INS-IGF2 (INS-IGF2 readthrough; minus strand). Cytogenetic location: 11p15.5.
Variant type: single nucleotide variant.
Coding change: c.85C>G on transcript NM_000207.3 (MANE Select); coding-DNA position 85, C replaced by G.
Protein change: p.His29Asp; replaces histidine 29 with aspartic acid.
Molecular consequence: missense variant. On other transcripts: non-coding transcript variant (1).
Genome position (GRCh38, 1-based): chr11:2,160,887, G>C on the plus strand (C>G on the coding strand, the complement: INS is on the minus strand). VCF-style: chr11-2160887-G-C. GRCh37 (hg19) VCF-style: chr11-2182117-G-C.
Other names: c.85C>G, p.His29Asp (NM_001185097.2, NM_001185098.2, NM_001291897.2 and 1 more transcripts); short protein forms H29D.
Identifiers: ClinVar variation 68733 (VCV000068733.2), dbSNP rs121908272, ClinGen allele CA266176.